The following is an entry in ClinVar:

NM_022786.3(ARV1):c.699C>T (p.Leu233=)

Gene: ARV1 (ARV1 fatty acid homeostasis modulator; plus strand). Cytogenetic location: 1q42.2.
Variant type: single nucleotide variant.
Coding change: c.699C>T on transcript NM_022786.3 (MANE Select); coding-DNA position 699, C replaced by T.
Protein change: p.Leu233=; no amino-acid change (leucine 233 retained).
Molecular consequence: synonymous variant. On other transcripts: non-coding transcript variant (1).
Genome position (GRCh38, 1-based): chr1:230,997,146, C>T. VCF-style: chr1-230997146-C-T. GRCh37 (hg19) VCF-style: chr1-231132892-C-T.
Other names: c.798C>T, p.Leu266= (NM_001346992.2).
Identifiers: ClinVar variation 4084928 (VCV004084928.8).

ClinVar aggregate classification (germline): Likely benign (1 of 4 stars; one submission).

Submission:

CeGaT Center for Human Genetics Tuebingen
Classification: Likely benign. Last evaluated: 2026-07-01. Review status: criteria provided, single submitter. Criteria: CeGaT Center For Human Genetics Tuebingen Variant Classification Criteria Version 2. Collection method: clinical testing. Allele origin: germline. Affected: yes. Observed: 2 variant alleles.
Comment: ARV1: PM2:Supporting, BP4, BP7